The following is an entry in ClinVar:

NM_025257.3(SLC44A4):c.1853dup (p.Ser619fs)

Gene: SLC44A4 (solute carrier family 44 member 4; minus strand). Cytogenetic location: 6p21.33.
Variant type: Duplication.
Coding change: c.1853dup on transcript NM_025257.3 (MANE Select); coding-DNA position 1853, one base duplicated (T; older notation c.1853dupT).
Protein change: p.Ser619fs; shifts the reading frame from serine 619.
Molecular consequence: frameshift variant.
Genome position (GRCh38, 1-based): chr6:31,864,889, A duplicated on the plus strand (T on the coding strand, the reverse complement: SLC44A4 is on the minus strand); the first of 8 consecutive A bases (chr6:31,864,889-31,864,896); duplicating any one gives the same sequence. VCF-style (leftmost placement, unchanged base first): chr6-31864888-G-GA. GRCh37 (hg19) VCF-style: chr6-31832665-G-GA.
Other names: c.1727dup, p.Ser577fs (NM_001178044.2); c.1625dup, p.Ser543fs (NM_001178045.2); short protein forms S577fs, S619fs, S543fs.
Identifiers: ClinVar variation 4751313 (VCV004751313.1).

ClinVar aggregate classification (germline): Uncertain significance (1 of 4 stars; one submission).

Submission:

Labcorp Genetics (formerly Invitae), Labcorp
Classification: Uncertain significance. Last evaluated: 2025-12-16. Review status: criteria provided, single submitter. Criteria: Invitae Variant Classification Sherloc (09022015). Collection method: clinical testing. Allele origin: germline.
Comment: This sequence change creates a premature translational stop signal (p.Ser619Leufs*9) in the SLC44A4 gene. It is expected to result in an absent or disrupted protein product. However, the current clinical and genetic evidence is not sufficient to establish whether loss-of-function variants in SLC44A4 cause disease. The frequency data for this variant in the population databases is considered unreliable, as metrics indicate poor data quality at this position in the gnomAD database. This variant has not been reported in the literature in individuals affected with SLC44A4-related conditions. Algorithms developed to predict the effect of sequence changes on RNA splicing suggest that this variant may disrupt the consensus splice site. In summary, the available evidence is currently insufficient to determine the role of this variant in disease. Therefore, it has been classified as a Variant of Uncertain Significance.